The following is an entry in ClinVar:

NM_021964.3(ZNF148):c.1191_1194del (p.Ser397fs)

Gene: ZNF148 (zinc finger protein 148; minus strand). Cytogenetic location: 3q21.2.
Variant type: Deletion.
Coding change: c.1191_1194del on transcript NM_021964.3 (MANE Select); coding-DNA positions 1191 to 1194, 4 bases deleted (TAAG; older notation c.1191_1194delTAAG).
Protein change: p.Ser397fs; shifts the reading frame from serine 397.
Molecular consequence: frameshift variant.
Genome position (GRCh38, 1-based): chr3:125,233,532-125,233,535, CTTA deleted on the plus strand (TAAG on the coding strand, the reverse complement: ZNF148 is on the minus strand); deleting any 4 consecutive bases within chr3:125,233,532-125,233,537 gives the same sequence; the c. name uses the placement nearest the transcript's 3' end. VCF-style (leftmost placement, unchanged base first): chr3-125233531-TCTTA-T. GRCh37 (hg19) VCF-style: chr3-124952375-TCTTA-T.
Other names: c.1191_1194del, p.Ser397fs (NM_001348424.1, NM_001348425.2, NM_001348426.2 and 7 more transcripts); c.1065_1068del, p.Ser355fs (NM_001348434.2); short protein forms S397fs, S355fs.
Identifiers: ClinVar variation 624226 (VCV000624226.43), dbSNP rs1560102245, ClinGen allele CA645538159.
Genomic context (GRCh38, chr3:125,233,531, plus strand): 5'-CTTCATATGTGGATAAAGGTGAAATTGTTTGATTTTGCTCCAGTGGCTGTTTCAGACTTC[TCTTA>T]CTATTAATTTTTTTGAGAACTAACTTAGGTGGGTGTATTTCTCCTGACGCATCTTCTAAA-3'

ClinVar aggregate classification (germline): Likely pathogenic. Review status: criteria provided, multiple submitters, no conflicts (2 of 4 stars). 2 submissions from 2 submitters: Likely pathogenic (2). Last evaluated 2025-07-30.

Conditions:
Global developmental delay, absent or hypoplastic corpus callosum, and dysmorphic facies (GDACCF). Identifiers: MedGen C4310644, MONDO:0014994, OMIM 617260.

Submissions (2):

3billion
Classification: Likely pathogenic for Global developmental delay, absent or hypoplastic corpus callosum, and dysmorphic facies. Last evaluated: 2025-07-30. Review status: criteria provided, single submitter. Criteria: ACMG Guidelines, 2015. Collection method: clinical testing. Allele origin: germline. Affected: yes.
Comment: The variant is not observed in the gnomAD v4.1.0 dataset. Predicted Consequence/Location: Frameshift: predicted to result in a loss or disruption of normal protein function through protein truncation. Multiple pathogenic variants are reported in the predicted truncated region. The variant has been reported to be associated with ZNF148-related disorder (ClinVar ID: VCV000624226). Therefore, this variant is classified as Likely pathogenic according to the recommendation of ACMG/AMP guideline.

CeGaT Center for Human Genetics Tuebingen
Classification: Likely pathogenic. Last evaluated: 2018-07-01. Review status: criteria provided, single submitter. Criteria: CeGaT Center For Human Genetics Tuebingen Variant Classification Criteria Version 2. Collection method: clinical testing. Allele origin: germline. Affected: yes. Observed: 2 variant alleles.